The following is an entry in ClinVar:

NM_001384900.1(SEMA3D):c.1494G>A (p.Gln498=)

Gene: SEMA3D (semaphorin 3D; minus strand). Cytogenetic location: 7q21.11.
Variant type: single nucleotide variant.
Coding change: c.1494G>A on transcript NM_001384900.1 (MANE Select); coding-DNA position 1494, G replaced by A.
Protein change: p.Gln498=; no amino-acid change (glutamine 498 retained).
Molecular consequence: synonymous variant.
Genome position (GRCh38, 1-based): chr7:85,020,242, C>T on the plus strand (G>A on the coding strand, the complement: SEMA3D is on the minus strand). VCF-style: chr7-85020242-C-T. GRCh37 (hg19) VCF-style: chr7-84649558-C-T.
Other names: c.1494G>A, p.Gln498= (NM_001384901.1, NM_001384902.1, NM_001384903.1 and 1 more transcripts).
Identifiers: ClinVar variation 4997307 (VCV004997307.1).

ClinVar aggregate classification (germline): Likely benign (1 of 4 stars; one submission).

Conditions:
SEMA3D-related disorder. Also called: SEMA3D-related condition.

Submission:

PreventionGenetics, part of Exact Sciences
Classification: Likely benign for SEMA3D-related condition. Last evaluated: 2024-10-22. Review status: criteria provided, single submitter. Criteria: ACMG Guidelines, 2015. Collection method: clinical testing. Allele origin: germline.
Comment: This variant is classified as likely benign based on ACMG/AMP sequence variant interpretation guidelines (Richards et al. 2015 PMID: 25741868, with internal and published modifications).